The following is an entry in ClinVar:

ClinVar aggregate classification (germline): Uncertain significance (1 of 4 stars; one submission).

Conditions:
Early-infantile DEE. Also called: Ohtahara syndrome; Early infantile epileptic encephalopathy with suppression bursts; Early infantile epileptic encephalopathy. Identifiers: Orphanet 1934, MedGen C0393706, MONDO:0800491.

Submission:

Labcorp Genetics (formerly Invitae), Labcorp
Classification: Uncertain significance for Early-infantile DEE. Last evaluated: 2025-02-17. Review status: criteria provided, single submitter. Criteria: Invitae Variant Classification Sherloc (09022015). Collection method: clinical testing. Allele origin: germline.
Comment: This sequence change replaces glutamic acid, which is acidic and polar, with lysine, which is basic and polar, at codon 1810 of the SCN1A protein (p.Glu1810Lys). This variant is not present in population databases (gnomAD no frequency). This variant has not been reported in the literature in individuals affected with SCN1A-related conditions. ClinVar contains an entry for this variant (Variation ID: 1438229). Invitae Evidence Modeling of protein sequence and biophysical properties (such as structural, functional, and spatial information, amino acid conservation, physicochemical variation, residue mobility, and thermodynamic stability) indicates that this missense variant is expected to disrupt SCN1A protein function with a positive predictive value of 95%. In summary, the available evidence is currently insufficient to determine the role of this variant in disease. Therefore, it has been classified as a Variant of Uncertain Significance.

NM_001165963.4(SCN1A):c.5428G>A (p.Glu1810Lys)

Genes: SCN1A (sodium voltage-gated channel alpha subunit 1; minus strand), LOC102724058 (uncharacterized LOC102724058; plus strand). Cytogenetic location: 2q24.3.
Variant type: single nucleotide variant.
Coding change: c.5428G>A on transcript NM_001165963.4 (MANE Select); coding-DNA position 5428, G replaced by A.
Protein change: p.Glu1810Lys; replaces glutamic acid 1810 with lysine.
Molecular consequence: missense variant. On other transcripts: non-coding transcript variant (1).
Genome position (GRCh38, 1-based): chr2:165,991,847, C>T on the plus strand (G>A on the coding strand, the complement: SCN1A is on the minus strand). VCF-style: chr2-165991847-C-T. GRCh37 (hg19) VCF-style: chr2-166848357-C-T.
Other names: c.5344G>A, p.Glu1782Lys (NM_001165964.3, NM_001353957.2, NM_001353958.2); c.5428G>A, p.Glu1810Lys (NM_001202435.3, NM_001353948.2); c.5395G>A, p.Glu1799Lys (NM_001353949.2, NM_001353950.2, NM_001353951.2 and 2 more transcripts); c.5392G>A, p.Glu1798Lys (NM_001353954.2, NM_001353955.2); c.5341G>A, p.Glu1781Lys (NM_001353960.2); c.2986G>A, p.Glu996Lys (NM_001353961.2); short protein forms E1782K, E1799K, E1781K, E1798K, E1810K, E996K.
Identifiers: ClinVar variation 1438229 (VCV001438229.9), dbSNP rs1218205706, ClinGen allele CA349067630.
Genomic context (GRCh38, chr2:165,991,847, plus strand): 5'-GAGATAATTTTTCAAATTCCATGAACTGAGTTGCATCGGGATCAAACTTCTCCCAAACCT[C>T]ATAGAACATCTCAAAGTCATCCTCACTCAGAGGCTCTGCACTTTCTTCAGTAGCAACACT-3'
Protein context (NP_001159435.1, residues 1800-1820): LSEDDFEMFY[Glu1810Lys]VWEKFDPDAT